The following is an entry in ClinVar:

ClinVar aggregate classification (germline): Uncertain significance (1 of 4 stars; one submission).

Conditions:
Early-infantile DEE. Also called: Ohtahara syndrome; Early infantile epileptic encephalopathy with suppression bursts; Early infantile epileptic encephalopathy. Identifiers: Orphanet 1934, MedGen C0393706, MONDO:0800491.

Submission:

Labcorp Genetics (formerly Invitae), Labcorp
Classification: Uncertain significance for Early-infantile DEE. Last evaluated: 2021-04-05. Review status: criteria provided, single submitter. Criteria: Invitae Variant Classification Sherloc (09022015). Collection method: clinical testing. Allele origin: germline.
Comment: This sequence change creates a premature translational stop signal (p.Thr149Glyfs*30) in the ARHGEF15 gene. It is expected to result in an absent or disrupted protein product. However, the current clinical and genetic evidence is not sufficient to establish whether loss-of-function variants in ARHGEF15 cause disease. This variant is not present in population databases (ExAC no frequency). This variant has not been reported in the literature in individuals with ARHGEF15-related conditions. In summary, the available evidence is currently insufficient to determine the role of this variant in disease. Therefore, it has been classified as a Variant of Uncertain Significance.

NM_173728.4(ARHGEF15):c.444_453del (p.Thr149fs)

Gene: ARHGEF15 (Rho guanine nucleotide exchange factor 15; plus strand). Cytogenetic location: 17p13.1.
Variant type: Deletion.
Coding change: c.444_453del on transcript NM_173728.4 (MANE Select); coding-DNA positions 444 to 453, 10 bases deleted (CACTGTGCGG; older notation c.444_453delCACTGTGCGG).
Protein change: p.Thr149fs; shifts the reading frame from threonine 149.
Molecular consequence: frameshift variant.
Genome position (GRCh38, 1-based): chr17:8,312,483-8,312,492, CACTGTGCGG deleted; deleting any 10 consecutive bases within chr17:8,312,481-8,312,492 gives the same sequence; the c. name uses the placement nearest the transcript's 3' end. VCF-style (leftmost placement, unchanged base first): chr17-8312480-TGGCACTGTGC-T. GRCh37 (hg19) VCF-style: chr17-8215798-TGGCACTGTGC-T.
Other names: c.444_453del, p.Thr149fs (NM_025014.2); short protein forms T149fs.
Identifiers: ClinVar variation 1479485 (VCV001479485.7), dbSNP rs2151635389, ClinGen allele CA2573154744.
Genomic context (GRCh38, chr17:8,312,480, plus strand): 5'-CTGCACGCCTCTGCTCCCCATGGCTGGAGTCCTGGCTCAGAATGGCTCTGCCTCAGCTCC[TGGCACTGTGC>T]GGAGGCTGGCTGGCAGGTTTGAAGGGGGTGCTGAAGGCCGGGCTCAGGATGCAGATGCCC-3'